The following is an entry in ClinVar:

NM_022051.3(EGLN1):c.28G>C (p.Gly10Arg)

Gene: EGLN1 (egl-9 family hypoxia inducible factor 1; minus strand). Cytogenetic location: 1q42.2.
Variant type: single nucleotide variant.
Coding change: c.28G>C on transcript NM_022051.3 (MANE Select); coding-DNA position 28, G replaced by C.
Protein change: p.Gly10Arg; replaces glycine 10 with arginine.
Molecular consequence: missense variant.
Genome position (GRCh38, 1-based): chr1:231,421,861, C>G on the plus strand (G>C on the coding strand, the complement: EGLN1 is on the minus strand). VCF-style: chr1-231421861-C-G. GRCh37 (hg19) VCF-style: chr1-231557607-C-G.
Other names: c.28G>C, p.Gly10Arg (NM_001377260.1, NM_001377261.1); short protein forms G10R.
Identifiers: ClinVar variation 1797431 (VCV001797431.3), dbSNP rs1385689881, ClinGen allele CA345239452.

ClinVar aggregate classification (germline): Uncertain significance (1 of 4 stars; one submission).

gnomAD v4.1: 1 of 1,484,938 alleles (0.000067%); highest among the groups gnomAD compares: Non-Finnish European, 0.000089%; no homozygotes.

Submission:

Ambry Genetics
Classification: Uncertain significance. Last evaluated: 2025-10-28. Review status: criteria provided, single submitter. Criteria: Ambry Variant Classification Scheme 2023. Collection method: clinical testing. Allele origin: germline.
Comment: The p.G10R variant (also known as c.28G>C), located in coding exon 1 of the EGLN1 gene, results from a G to C substitution at nucleotide position 28. The glycine at codon 10 is replaced by arginine, an amino acid with dissimilar properties. This amino acid position is conserved. In addition, this alteration is predicted to be tolerated by in silico analysis. Since supporting evidence is limited at this time, the clinical significance of this alteration remains unclear.